The following is an entry in ClinVar:

NM_182972.3(IRF2BP2):c.1127C>T (p.Ala376Val)

Gene: IRF2BP2 (interferon regulatory factor 2 binding protein 2; minus strand). Cytogenetic location: 1q42.3.
Variant type: single nucleotide variant.
Coding change: c.1127C>T on transcript NM_182972.3 (MANE Select); coding-DNA position 1127, C replaced by T.
Protein change: p.Ala376Val; replaces alanine 376 with valine.
Molecular consequence: missense variant.
Genome position (GRCh38, 1-based): chr1:234,607,774, G>A on the plus strand (C>T on the coding strand, the complement: IRF2BP2 is on the minus strand). VCF-style: chr1-234607774-G-A. GRCh37 (hg19) VCF-style: chr1-234743520-G-A.
Other names: c.1079C>T, p.Ala360Val (NM_001077397.1); short protein forms A360V, A376V.
Identifiers: ClinVar variation 2710191 (VCV002710191.3), dbSNP rs2528515203, ClinGen allele CA345307001.
Genomic context (GRCh38, chr1:234,607,774, plus strand): 5'-GAGGATGTAGGAGTCATGGGGATCTTGAGCCCCTCTGTGGATGTGGACAGCCACGGCTGG[G>A]CCTCTCCGTTGATCTTAGGGGGCCCGACTTCACCTTCTGGTTCTGGAGAGGGCTTCCTTT-3'
Protein context (NP_892017.2, residues 366-386): EVGPPKINGE[Ala376Val]QPWLSTSTEG

ClinVar aggregate classification (germline): Uncertain significance (1 of 4 stars; one submission).

Allele frequency attached by ClinVar (database versions not stated): gnomAD exomes below 0.00001.
gnomAD v4.1: 6 of 1,613,838 alleles (0.00037%); highest among the groups gnomAD compares: African/African-American, 0.0013%; no homozygotes.

Submission:

Labcorp Genetics (formerly Invitae), Labcorp
Classification: Uncertain significance. Last evaluated: 2024-01-19. Review status: criteria provided, single submitter. Criteria: Invitae Variant Classification Sherloc (09022015). Collection method: clinical testing. Allele origin: germline.
Comment: This sequence change replaces alanine, which is neutral and non-polar, with valine, which is neutral and non-polar, at codon 376 of the IRF2BP2 protein (p.Ala376Val). This variant is not present in population databases (gnomAD no frequency). This variant has not been reported in the literature in individuals affected with IRF2BP2-related conditions. An algorithm developed to predict the effect of missense changes on protein structure and function (PolyPhen-2) suggests that this variant is likely to be tolerated. In summary, the available evidence is currently insufficient to determine the role of this variant in disease. Therefore, it has been classified as a Variant of Uncertain Significance.